The following is an entry in ClinVar:

NM_001378609.3(OTOGL):c.6787C>T (p.Arg2263Ter)

Gene: OTOGL (otogelin like; plus strand). Cytogenetic location: 12q21.31.
Variant type: single nucleotide variant.
Coding change: c.6787C>T on transcript NM_001378609.3 (MANE Select); coding-DNA position 6787, C replaced by T.
Protein change: p.Arg2263Ter; replaces arginine 2263 with a stop codon.
Molecular consequence: nonsense.
Genome position (GRCh38, 1-based): chr12:80,377,128, C>T. VCF-style: chr12-80377128-C-T. GRCh37 (hg19) VCF-style: chr12-80770908-C-T.
Other names: c.6652C>T, p.Arg2218Ter (NM_001368062.3); c.6787C>T, p.Arg2263Ter (NM_001378610.3, NM_173591.7); short protein forms R2218*, R2263*.
Identifiers: ClinVar variation 3256698 (VCV003256698.5), dbSNP rs1222716200.
Genomic context (GRCh38, chr12:80,377,128, plus strand): 5'-AAGAAACAATTTAACGTAGGCCTTTGATGAATAAATACATTTTATATTTTATCAGGCAAA[C>T]GAGAAGAAAGAATATGCCAGAAAGTGATCATTAAATCGGTCATAAGGAAACAGGACTGTA-3'

ClinVar aggregate classification (germline): Pathogenic/Likely pathogenic. Review status: criteria provided, multiple submitters, no conflicts (2 of 4 stars). 4 submissions from 4 submitters: Pathogenic (1); Likely pathogenic (3). Last evaluated 2026-04-30.

Conditions:
OTOGL-related disorder. Also called: OTOGL-related condition.
Autosomal recessive nonsyndromic hearing loss 84B. Also called: Deafness, autosomal recessive 84b. Identifiers: Orphanet 90636, MedGen C3554159, MONDO:0013984, OMIM 614944.

gnomAD v4.1: 33 of 1,601,112 alleles (0.0021%); highest among the groups gnomAD compares: Admixed American, 0.0068%; no homozygotes.

Submissions (4):

Laboratory of Molecular, Cellular and Translation Genetics in Otolaryngology/ Lim32-hcfmusp, University of Sao Paulo School of Medicine Clinics Hospital
Classification: Likely pathogenic for Autosomal recessive nonsyndromic hearing loss 84B. Last evaluated: 2026-04-30. Review status: criteria provided, single submitter. Criteria: ACMG Guidelines, 2015. Collection method: research. Allele origin: germline. Affected: yes.
Comment: NM_001378609.3:c.6787C>T:p.(Arg2263*). This variant has been classified as likely pathogenic. It is rare in population databases (PM2_supporting) and represents a null (loss-of-function) variant in OTOGL, a gene in which loss of function is an established disease mechanism (PVS1). It has been previously reported in trans with other pathogenic OTOGL variants (PM3_supporting).

Institute of Rare Diseases, West China Hospital, Sichuan University
Classification: Likely pathogenic for Autosomal recessive nonsyndromic hearing loss 84B. Last evaluated: 2025-01-09. Review status: criteria provided, single submitter. Criteria: ClinGen HL ACMG Specifications v1. Collection method: research. Allele origin: germline. Affected: yes.
Comment: PVS1;PM2_Supporting

MVZ Medizinische Genetik Mainz
Classification: Pathogenic for Autosomal recessive nonsyndromic hearing loss 84B. Last evaluated: 2024-06-03. Review status: criteria provided, single submitter. Criteria: UK Practice Guidelines For Variant Classification V4 01 2020. Collection method: clinical testing. Allele origin: germline. Inheritance: Autosomal recessive inheritance. Affected: yes. Observed: 1 variant allele.
Comment: ACMG Criteria: PVS1,PM2_SUP,PM3_SUP

Blueprint Genetics
Classification: Likely pathogenic for OTOGL-related disorders. Last evaluated: 2024-03-05. Review status: criteria provided, single submitter. Criteria: ACMG Guidelines, 2015. Collection method: clinical testing. Allele origin: germline. Affected: yes. Observed: 4 variant alleles.

Literature cited by the submitters: PubMed 42233699 (cited by Laboratory of Molecular, Cellular and Translation Genetics in Otolaryngology/ Lim32-hcfmusp, University of Sao Paulo School of Medicine Clinics Hospital).